The following is an entry in ClinVar:

ClinVar aggregate classification (germline): Likely pathogenic (1 of 4 stars; one submission).

Conditions:
Duchenne muscular dystrophy (DMD). Also called: MUSCULAR DYSTROPHY, PSEUDOHYPERTROPHIC PROGRESSIVE, DUCHENNE TYPE; Duchenne Muscular Dystrophy (DMD). Identifiers: Orphanet 98896, MedGen C0013264, MONDO:0010679, OMIM 310200.

Submission:

Labcorp Genetics (formerly Invitae), Labcorp
Classification: Likely pathogenic for Duchenne muscular dystrophy. Last evaluated: 2023-09-15. Review status: criteria provided, single submitter. Criteria: Invitae Variant Classification Sherloc (09022015). Collection method: clinical testing. Allele origin: germline.
Comment: This variant results in a copy number gain of the genomic region encompassing exon(s) 45-48 of the DMD gene. While the exact position of this variant cannot be determined from the data, sub-genic copy number gains are generally in tandem (PMID: 25640679). This variant is predicted to be in-frame, and likely preserves the integrity of the reading frame. A similar copy number variant has been observed in individuals with Duchenne muscular dystrophy or Becker muscular dystrophy (PMID: 17259292, 17561468, 33101180). In summary, the currently available evidence indicates that the variant is pathogenic, but additional data are needed to prove that conclusively. Therefore, this variant has been classified as Likely Pathogenic.

Literature cited by the submitters: PubMed 25640679; PubMed 17259292; PubMed 17561468; PubMed 33101180.

NC_000023.10:g.(?_31893285)_(31986651_?)dup

Gene: DMD (dystrophin; minus strand). Cytogenetic location: Xp21.1.
Variant type: Duplication.
Identifiers: ClinVar variation 1411043 (VCV001411043.2).